The following is an entry in ClinVar:

NM_153240.5(NPHP3):c.864T>A (p.Thr288=)

Genes: NPHP3 (nephrocystin 3; minus strand), NPHP3-ACAD11 (NPHP3-ACAD11 readthrough (NMD candidate); minus strand). Cytogenetic location: 3q22.1.
Variant type: single nucleotide variant.
Coding change: c.864T>A on transcript NM_153240.5 (MANE Select); coding-DNA position 864, T replaced by A.
Protein change: p.Thr288=; no amino-acid change (threonine 288 retained).
Molecular consequence: synonymous variant. On other transcripts: non-coding transcript variant (1).
Genome position (GRCh38, 1-based): chr3:132,715,178, A>T on the plus strand (T>A on the coding strand, the complement: NPHP3 is on the minus strand). VCF-style: chr3-132715178-A-T. GRCh37 (hg19) VCF-style: chr3-132434022-A-T.
Other names: p.Thr288=.
Identifiers: ClinVar variation 197881 (VCV000197881.27), dbSNP rs147932449, ClinGen allele CA203137.
Genomic context (GRCh38, chr3:132,715,178, plus strand): 5'-ATCTGTATAAATGAGGTAACATCTGACAGTGTTACTCCACAGAGAATGTGAAAACAGAGG[A>T]GTAACTTGTAATAAACTAGCTACAGCAATATCCCAGTCATCTGAAAATAAAATTTCTCAA-3'
Protein context (NP_694972.3, residues 278-298): DIAVASLLQV[Thr288=]PLFSHSLWSN

ClinVar aggregate classification (germline): Benign/Likely benign. Review status: criteria provided, multiple submitters, no conflicts (2 of 4 stars). 12 submissions from 10 submitters: Benign (8); Likely benign (4). Last evaluated 2026-01-31.

Conditions:
Kidney disorder. Also called: renal disease; renal disorder; Nephropathy; Kidney disease; Kidney Diseases. Identifiers: MedGen C0022658, MONDO:0005240, HP:0000112.
Nephronophthisis. Also called: Juvenile Nephronophthisis. Identifiers: Orphanet 655, MedGen C0687120, MONDO:0019005, HP:0000090.
Renal-hepatic-pancreatic dysplasia 1 (RHPD1). Identifiers: MedGen C3715199, MONDO:0008833, OMIM 208540.
NPHP3-related Meckel-like syndrome. Also called: GOLDSTON SYNDROME; Meckel syndrome type 7. Identifiers: Orphanet 3032, MedGen C2673885, MONDO:0009966, OMIM 267010.
Nephronophthisis 3 (NPHP3). Also called: Adolescent nephronophthisis. Identifiers: Orphanet 655, MedGen C1858392, MONDO:0011456, OMIM 604387.

Allele frequency attached by ClinVar (database versions not stated): gnomAD exomes 0.00170 and 0.00436; ExAC 0.00530; gnomAD 0.01690 and 0.01825; 1000 Genomes Project 0.01697; 1000 Genomes Project 30x 0.01702; TOPMed 0.01929; ESP Exome Variant Server 0.01977.
gnomAD v4.1: 5,188 of 1,611,492 alleles (0.32%); highest among the groups gnomAD compares: African/African-American, 6%; 142 homozygotes.

Submissions (12):

Labcorp Genetics (formerly Invitae), Labcorp
Classification: Benign for Nephronophthisis. Last evaluated: 2026-01-31. Review status: criteria provided, single submitter. Criteria: Invitae Variant Classification Sherloc (09022015). Collection method: clinical testing. Allele origin: germline.

Blueprint Genetics
Classification: Likely benign. Last evaluated: 2024-11-26. Review status: criteria provided, single submitter. Criteria: ACMG Guidelines, 2015. Collection method: clinical testing. Allele origin: germline.

Mayo Clinic Laboratories, Mayo Clinic
Classification: Benign. Last evaluated: 2023-04-10. Review status: criteria provided, single submitter. Criteria: ACMG Guidelines, 2015. Collection method: clinical testing. Allele origin: germline. Observed: 17 variant alleles.

Fulgent Genetics
Classification: Likely benign for Renal-hepatic-pancreatic dysplasia 1; NPHP3-related Meckel-like syndrome; Nephronophthisis 3. Last evaluated: 2021-10-21. Review status: criteria provided, single submitter. Criteria: ACMG Guidelines, 2015. Collection method: clinical testing. Allele origin: unknown.

Illumina Laboratory Services, Illumina
Classification: Benign for Renal-hepatic-pancreatic dysplasia 1. Last evaluated: 2018-01-13. Review status: criteria provided, single submitter. Criteria: ICSL Variant Classification Criteria 13 December 2019. Collection method: clinical testing. Allele origin: germline.
Comment: This variant was observed in the ICSL laboratory as part of a predisposition screen in an ostensibly healthy population. It had not been previously curated by ICSL or reported in the Human Gene Mutation Database (HGMD: prior to June 1st, 2018), and was therefore a candidate for classification through an automated scoring system. Utilizing variant allele frequency, disease prevalence and penetrance estimates, and inheritance mode, an automated score was calculated to assess if this variant is too frequent to cause the disease. Based on the score and internal cut-off values, a variant classified as benign is not then subjected to further curation. The score for this variant resulted in a classification of benign for this disease.

Illumina Laboratory Services, Illumina
Classification: Benign for Nephronophthisis 3. Last evaluated: 2018-01-13. Review status: criteria provided, single submitter. Criteria: ICSL Variant Classification Criteria 13 December 2019. Collection method: clinical testing. Allele origin: germline.
Comment: the same text as in the submission from Illumina Laboratory Services, Illumina above.

Illumina Laboratory Services, Illumina
Classification: Likely benign for NPHP3-related Meckel-like syndrome. Last evaluated: 2018-01-13. Review status: criteria provided, single submitter. Criteria: ICSL Variant Classification Criteria 13 December 2019. Collection method: clinical testing. Allele origin: germline.
Comment: This variant was observed in the ICSL laboratory as part of a predisposition screen in an ostensibly healthy population. It had not been previously curated by ICSL or reported in the Human Gene Mutation Database (HGMD: prior to June 1st, 2018), and was therefore a candidate for classification through an automated scoring system. Utilizing variant allele frequency, disease prevalence and penetrance estimates, and inheritance mode, an automated score was calculated to assess if this variant is too frequent to cause the disease. Based on the score and internal cut-off values, a variant classified as likely benign is not then subjected to further curation. The score for this variant resulted in a classification of likely benign for this disease.

GeneDx
Classification: Benign. Last evaluated: 2017-06-18. Review status: criteria provided, single submitter. Criteria: GeneDx Variant Classification (06012015). Collection method: clinical testing. Allele origin: germline. Affected: yes.
Comment: This variant is considered likely benign or benign based on one or more of the following criteria: it is a conservative change, it occurs at a poorly conserved position in the protein, it is predicted to be benign by multiple in silico algorithms, and/or has population frequency not consistent with disease.

Genome Diagnostics Laboratory, The Hospital for Sick Children
Classification: Benign for Kidney disorder. Last evaluated: 2017-02-13. Review status: criteria provided, single submitter. Criteria: ACMG Guidelines, 2015. Collection method: clinical testing. Allele origin: germline.

Eurofins Ntd Llc (ga)
Classification: Benign. Last evaluated: 2014-09-01. Review status: criteria provided, single submitter. Criteria: EGL Classification Definitions 2015. Collection method: clinical testing. Allele origin: germline. Observed: 1 variant allele, 1 heterozygote.

Breakthrough Genomics
Classification: Likely benign. Review status: criteria provided, single submitter. Criteria: ACMG Guidelines, 2015. Collection method: not provided. Allele origin: germline. Inheritance: Autosomal recessive inheritance. Affected: yes.

PreventionGenetics, part of Exact Sciences
Classification: Benign. Review status: criteria provided, single submitter. Criteria: ACMG Guidelines, 2015. Collection method: clinical testing. Allele origin: germline.